The following is an entry in ClinVar:

ClinVar aggregate classification (germline): Uncertain significance (1 of 4 stars; one submission).

Conditions:
Cardiovascular phenotype. Identifiers: MedGen CN230736.

Submission:

Ambry Genetics
Classification: Uncertain significance for Cardiovascular phenotype. Last evaluated: 2024-04-19. Review status: criteria provided, single submitter. Criteria: Ambry Variant Classification Scheme 2023. Collection method: clinical testing. Allele origin: germline.
Comment: The p.D843N variant (also known as c.2527G>A), located in coding exon 32 of the CACNA2D1 gene, results from a G to A substitution at nucleotide position 2527. The aspartic acid at codon 843 is replaced by asparagine, an amino acid with highly similar properties. This amino acid position is conserved. In addition, this alteration is predicted to be tolerated by in silico analysis. Based on the available evidence, the clinical significance of this variant remains unclear.

NM_000722.4(CACNA2D1):c.2527G>A (p.Asp843Asn)

Gene: CACNA2D1 (calcium voltage-gated channel auxiliary subunit alpha2delta 1; minus strand). Cytogenetic location: 7q21.11.
Variant type: single nucleotide variant.
Coding change: c.2527G>A on transcript NM_000722.4 (MANE Select); coding-DNA position 2527, G replaced by A.
Protein change: p.Asp843Asn; replaces aspartic acid 843 with asparagine.
Molecular consequence: missense variant.
Genome position (GRCh38, 1-based): chr7:81,965,641, C>T on the plus strand (G>A on the coding strand, the complement: CACNA2D1 is on the minus strand). VCF-style: chr7-81965641-C-T. GRCh37 (hg19) VCF-style: chr7-81594957-C-T.
Other names: c.2563G>A, p.Asp855Asn (NM_001366867.1); short protein forms D855N, D843N.
Identifiers: ClinVar variation 3262812 (VCV003262812.1).